The following is an entry in ClinVar:

ClinVar aggregate classification (germline): Pathogenic. Review status: reviewed by expert panel (3 of 4 stars). 23 submissions from 20 submitters: Pathogenic (1). 22 of the submissions do not count toward it. Last evaluated 2024-02-20.

Conditions:
RPE65-related recessive retinopathy. Also called: Recessive RPE65 retinopathy. Identifiers: MedGen CN305526, MONDO:0100368.
Retinitis pigmentosa 20 (RP20). Identifiers: Orphanet 791, MedGen C3151086, MONDO:0013425, OMIM 613794.
Leber congenital amaurosis 2 (LCA2). Also called: AMAUROSIS CONGENITA OF LEBER II; Autosomal Recessive RPE65-Related Retinal Degeneration. Identifiers: Orphanet 65, MedGen C1859844, MONDO:0008765, OMIM 204100. Disease mechanism: loss of function.
Retinitis pigmentosa 87 with choroidal involvement. Identifiers: MedGen C5231465, MONDO:0032873, OMIM 618697.
Retinal dystrophy. Also called: Inherited retinal dystrophy. Identifiers: Orphanet 71862, MedGen C0854723, MeSH D058499, MONDO:0019118, HP:0000556.
RPE65-related disorder. Also called: RPE65-related condition; RPE65-related disorders. Identifiers: MedGen CN239301.
Leber congenital amaurosis (LCA). Also called: Leber's amaurosis. Identifiers: Orphanet 65, MedGen C0339527, MeSH D057130, MONDO:0018998.
Retinitis pigmentosa (RP). Identifiers: Orphanet 791, MedGen C0035334, MeSH D012174, MONDO:0019200, OMIM 268000. Inheritance: Autosomal dominant, autosomal recessive and X linked inheritance.

Allele frequency attached by ClinVar (database versions not stated): gnomAD 0.00007 and 0.00008; gnomAD exomes 0.00007 and 0.00015; ESP Exome Variant Server 0.00008; ExAC 0.00007; TOPMed 0.00008.
gnomAD v4.1: 228 of 1,613,874 alleles (0.014%); highest among the groups gnomAD compares: Non-Finnish European, 0.019%; no homozygotes.

Submissions 1 to 10 of 23:

ClinGen Leber Congenital Amaurosis/early Onset Retinal Dystrophy Variant Curation Expert Panel, ClinGen
Classification: Pathogenic for RPE65-related recessive retinopathy. Last evaluated: 2024-02-20. Review status: reviewed by expert panel. Criteria: ClinGen LCAeoRD ACMG Specifications RPE65 V1.0.0. Collection method: curation. Allele origin: germline. Inheritance: Autosomal recessive inheritance.
Comment: NM_000329.3(RPE65):c.1102T>C (p.Tyr368His) is a missense variant that replaces the tyrosine at position 368 with histidine. It has been reported in the literature in at least 2 unrelated probands with early-onset severe retinal dystrophy who were homozygous for the variant (1 point, PMID: 12960219, PMID: 25257057). The variant has also been reported in at least 3 probands with early-onset severe retinal dystrophy who were compound heterozygous with either the c.11+5G>A, c.292_311del p.Ile98Hisfs*26, or p.Arg44Ter variant confirmed in trans (3 points, PMIDs: 11786058, PMID: 34492281). All of these variants were previously classified pathogenic by the ClinGen LCA/eoRD VCEP (4 total points, PM3_VeryStrong). The variant has also been reported to segregate with childhood-onset severe retinal dystrophy through at least 1 affected meiosis from 1 family (PP1; PMID:11786058). The variant is present in gnomAD v.2.1.1 at a Grpmax allele frequency of 0.00009488, with 19/129116 in the European (Non-Finnish) population, which is lower than the ClinGen LCA/eoRD VCEP PM2_Supporting threshold of <0.0002 (PM2_Supporting). The computational predictor REVEL gives a score of 0.969, which is above the ClinGen LCA/eoRD VCEP threshold of >= 0.773 and predicts a damaging effect on RPE65 function (PP3_Moderate). In summary, this variant meets the criteria to be classified as Pathogenic for RPE65-related recessive retinopathy based on the ACMG/AMP criteria applied, as specified by the ClinGen LCA/eoRD VCEP: PM3_VeryStrong, PP1, PM2_Supporting, PP3_Moderate. (VCEP specifications version 1.0.0; date of approval 09/21/2023).

PreventionGenetics, part of Exact Sciences
Classification: Pathogenic for RPE65-related condition. Last evaluated: 2026-08-11. Review status: criteria provided, single submitter. Criteria: ACMG Guidelines, 2015. Collection method: clinical testing. Allele origin: germline. Not counted in ClinVar's aggregate classification.
Comment: The RPE65 c.1102T>C variant is predicted to result in the amino acid substitution p.Tyr368His. This variant has been reported in many individuals with autosomal recessive retinal disease (see for examples: Lorenz et al. 2000. PubMed ID: 10937591; Felius et al. 2002. PubMed ID: 11786058; Table S4, Panneman et al. 2023. PubMed ID: 36819107; Table S1, Lin et al. 2024. PubMed ID: 38219857). Functional studies have shown that this variant decreases the stability and enzymatic activity of the RPE65 protein (Redmond et al. 2005. PubMed ID: 16150724; Takahashi et al. 2006. PubMed ID: 16754667). This variant is present in 0.015% of alleles in individuals of European (Non-Finnish) descent in gnomAD, and was described as a founder mutation in a genetically-isolated population in the Netherlands (Yzer et al. 2003. PubMed ID: 12960219). Given the evidence, we interpret this variant as pathogenic for autosomal recessive disease.

Medical Molecular Genetics Department, National Research Center
Classification: Pathogenic for Retinitis pigmentosa 20. Last evaluated: 2026-03-01. Review status: criteria provided, single submitter. Criteria: ACMG Guidelines, 2015. Collection method: research. Allele origin: germline. Affected: yes. Observed: 1 variant allele. Not counted in ClinVar's aggregate classification.
Comment: RPE65 c.1102T>C (p.Tyr368His): Absent from gnomAD v4.1.2 (MAF<0.0001). Recurrent variant in conserved RPE65 isomerohydrolase domain (Exon 10). Reported pathogenic in multiple IRD cohorts (PMID:11786058). Segregates with autosomal recessive RP/LCA in Egyptian families. REVEL=0.892, CADD=27.5. Classified Pathogenic (PM1,PM2,PM3,PP3,PP5)

Medical Molecular Genetics Department, National Research Center
Classification: Pathogenic for Leber congenital amaurosis 2. Last evaluated: 2026-03-01. Review status: criteria provided, single submitter. Criteria: ACMG Guidelines, 2015. Collection method: research. Allele origin: germline. Affected: yes. Observed: 1 variant allele. Not counted in ClinVar's aggregate classification.
Comment: RPE65 c.1102T>C (p.Tyr368His): Absent from gnomAD. Recurrent pathogenic variant. Multiple independent reports (PMID:11786058). Perfect segregation. Computational support (REVEL=0.892). Classified Pathogenic (PM1,PM2,PM3,PP3,PP5)

Labcorp Genetics (formerly Invitae), Labcorp
Classification: Pathogenic for Leber congenital amaurosis 2; Retinitis pigmentosa 20. Last evaluated: 2026-01-19. Review status: criteria provided, single submitter. Criteria: Invitae Variant Classification Sherloc (09022015). Collection method: clinical testing. Allele origin: germline. Not counted in ClinVar's aggregate classification.
Comment: This sequence change replaces tyrosine, which is neutral and polar, with histidine, which is basic and polar, at codon 368 of the RPE65 protein (p.Tyr368His). This variant is present in population databases (rs62653011, gnomAD 0.02%). This missense change has been observed in individual(s) with autosomal recessive RPE65-related conditions (PMID: 10937591, 11786058). In at least one individual the data is consistent with being in trans (on the opposite chromosome) from a pathogenic variant. It has also been observed to segregate with disease in related individuals. ClinVar contains an entry for this variant (Variation ID: 29870). Invitae Evidence Modeling of protein sequence and biophysical properties (such as structural, functional, and spatial information, amino acid conservation, physicochemical variation, residue mobility, and thermodynamic stability) indicates that this missense variant is not expected to disrupt RPE65 protein function with a negative predictive value of 80%. Experimental studies have shown that this missense change affects RPE65 function (PMID: 16754667). For these reasons, this variant has been classified as Pathogenic.

Natera, Inc.
Classification: Pathogenic for Leber congenital amaurosis. Last evaluated: 2025-11-17. Review status: criteria provided, single submitter. Criteria: Natera Variant Classification Schema (03/2026). Collection method: clinical testing. Allele origin: germline. Not counted in ClinVar's aggregate classification.
Comment: The c.1102T>C variant in RPE65 is a missense variant predicted to cause substitution of tyrosine to histidine at amino acid 368. This variant has been observed in one or more individuals affected with the associated recessive disease, as either homozygous or compound heterozygous with a second variant (PMID: 26626312). Given the available evidence, this variant is classified as Pathogenic.

Revvity Omics, Revvity
Classification: Pathogenic. Last evaluated: 2025-03-12. Review status: criteria provided, single submitter. Criteria: ACMG Guidelines, 2015. Collection method: clinical testing. Allele origin: germline. Not counted in ClinVar's aggregate classification.

Fulgent Genetics
Classification: Pathogenic for Leber congenital amaurosis 2; Retinitis pigmentosa 20; Retinitis pigmentosa 87 with choroidal involvement. Last evaluated: 2024-04-09. Review status: criteria provided, single submitter. Criteria: ACMG Guidelines, 2015. Collection method: clinical testing. Allele origin: germline. Not counted in ClinVar's aggregate classification.

Baylor Genetics
Classification: Pathogenic for Leber congenital amaurosis 2. Last evaluated: 2024-03-28. Review status: criteria provided, single submitter. Criteria: ACMG Guidelines, 2015. Collection method: clinical testing. Allele origin: unknown. Not counted in ClinVar's aggregate classification.

Blueprint Genetics
Classification: Pathogenic for RPE65-related disorders. Last evaluated: 2024-03-14. Review status: criteria provided, single submitter. Criteria: ACMG Guidelines, 2015. Collection method: clinical testing. Allele origin: germline. Affected: yes. Observed: 5 variant alleles. Not counted in ClinVar's aggregate classification.

NM_000329.3(RPE65):c.1102T>C (p.Tyr368His)

Gene: RPE65 (retinoid isomerohydrolase RPE65; minus strand). Cytogenetic location: 1p31.3.
Variant type: single nucleotide variant.
Coding change: c.1102T>C on transcript NM_000329.3 (MANE Select); coding-DNA position 1102, T replaced by C.
Protein change: p.Tyr368His; replaces tyrosine 368 with histidine.
Molecular consequence: missense variant.
Genome position (GRCh38, 1-based): chr1:68,438,213, A>G on the plus strand (T>C on the coding strand, the complement: RPE65 is on the minus strand). VCF-style: chr1-68438213-A-G. GRCh37 (hg19) VCF-style: chr1-68903896-A-G.
Other names: NM_000329.3(RPE65):c.1102T>C; short protein forms Y368H.
Identifiers: ClinVar variation 29870 (VCV000029870.37), dbSNP rs62653011, ClinGen allele CA226484.
Genomic context (GRCh38, chr1:68,438,213, plus strand): 5'-GGTTAAATCTGAAATCTACAGAGAAGCAGGTTACCTTGTCAATATTCAAAGGAAGTACAT[A>G]TCTCCTAACTTCAGGTTGGGGAGCCTTTCTGGCATTTTTTTTCACCTCTTCCCAGTTCTC-3'
Protein context (NP_000320.1, residues 358-378): RKAPQPEVRR[Tyr368His]VLPLNIDKAD